The following is an entry in ClinVar:

NM_152564.5(VPS13B):c.4261C>T (p.His1421Tyr)

Gene: VPS13B (vacuolar protein sorting 13 homolog B; plus strand). Cytogenetic location: 8q22.2.
Variant type: single nucleotide variant.
Coding change: c.4261C>T on transcript NM_152564.5 (MANE Select); coding-DNA position 4261, C replaced by T.
Protein change: p.His1421Tyr; replaces histidine 1421 with tyrosine.
Molecular consequence: missense variant.
Genome position (GRCh38, 1-based): chr8:99,511,140, C>T. VCF-style: chr8-99511140-C-T. GRCh37 (hg19) VCF-style: chr8-100523368-C-T.
Other names: c.4336C>T, p.His1446Tyr (NM_017890.5); short protein forms H1421Y, H1446Y.
Identifiers: ClinVar variation 2167110 (VCV002167110.2), dbSNP rs748897329, ClinGen allele CA4823508.

ClinVar aggregate classification (germline): Uncertain significance. Review status: criteria provided, multiple submitters, no conflicts (2 of 4 stars). 2 submissions from 2 submitters: Uncertain significance (2). Last evaluated 2025-01-31.

Conditions:
Cohen syndrome (COH1). Also called: PEPPER SYNDROME; Cutis verticis gyrata, retinitis pigmentosa, and sensorineural deafness. Identifiers: Orphanet 193, MedGen C0265223, MONDO:0008999, OMIM 216550.
VPS13B-related disorder. Also called: VPS13B-related condition.

Allele frequency attached by ClinVar (database versions not stated): TOPMed below 0.00001; ExAC 0.00001; gnomAD 0.00001; gnomAD exomes 0.00001.
gnomAD v4.1: 14 of 1,613,562 alleles (0.00087%); highest among the groups gnomAD compares: Non-Finnish European, 0.0011%; no homozygotes.

Submissions (2):

PreventionGenetics, part of Exact Sciences
Classification: Uncertain significance for VPS13B-related condition. Last evaluated: 2025-01-31. Review status: criteria provided, single submitter. Criteria: ACMG Guidelines, 2015. Collection method: clinical testing. Allele origin: germline.
Comment: The VPS13B c.4261C>T variant is predicted to result in the amino acid substitution p.His1421Tyr. To our knowledge, this variant has not been reported in the literature. This variant is reported in 0.0018% of alleles in individuals of European (Non-Finnish) descent in gnomAD. At this time, the clinical significance of this variant is uncertain due to the absence of conclusive functional and genetic evidence.

Labcorp Genetics (formerly Invitae), Labcorp
Classification: Uncertain significance for Cohen syndrome. Last evaluated: 2022-07-26. Review status: criteria provided, single submitter. Criteria: Invitae Variant Classification Sherloc (09022015). Collection method: clinical testing. Allele origin: germline.
Comment: This sequence change replaces histidine, which is basic and polar, with tyrosine, which is neutral and polar, at codon 1446 of the VPS13B protein (p.His1446Tyr). This variant is present in population databases (rs748897329, gnomAD 0.002%). This variant has not been reported in the literature in individuals affected with VPS13B-related conditions. Algorithms developed to predict the effect of missense changes on protein structure and function are either unavailable or do not agree on the potential impact of this missense change (SIFT: "Not Available"; PolyPhen-2: "Possibly Damaging"; Align-GVGD: "Not Available"). Algorithms developed to predict the effect of sequence changes on RNA splicing suggest that this variant may create or strengthen a splice site. In summary, the available evidence is currently insufficient to determine the role of this variant in disease. Therefore, it has been classified as a Variant of Uncertain Significance.